The following is an entry in ClinVar:

ClinVar aggregate classification (germline): Pathogenic (1 of 4 stars; one submission).

Conditions:
Trichorhinophalangeal dysplasia type I (TRPS1). Also called: TRPS I; TRICHORHINOPHALANGEAL SYNDROME, TYPE I. Identifiers: Orphanet 77258, MedGen C0432233, MONDO:0008596, OMIM 190350.
Trichorhinophalangeal syndrome, type III (TRPS3). Also called: SUGIO-KAJII SYNDROME. Identifiers: Orphanet 77258, MedGen C1860823, OMIM 190351, MONDO:0008597.

Submission:

Labcorp Genetics (formerly Invitae), Labcorp
Classification: Pathogenic for Trichorhinophalangeal syndrome, type III; Trichorhinophalangeal dysplasia type I. Last evaluated: 2020-05-26. Review status: criteria provided, single submitter. Criteria: Invitae Variant Classification Sherloc (09022015). Collection method: clinical testing. Allele origin: germline.
Comment: This sequence change creates a premature translational stop signal (p.Ser767*) in the TRPS1 gene. It is expected to result in an absent or disrupted protein product. This variant is not present in population databases (ExAC no frequency). This variant has not been reported in the literature in individuals with TRPS1-related conditions. Loss-of-function variants in TRPS1 are known to be pathogenic (PMID: 11112658). For these reasons, this variant has been classified as Pathogenic.

Literature cited by the submitters: PubMed 11112658.

NM_014112.5(TRPS1):c.2300_2301del (p.Asp766_Ser767insTer)

Gene: TRPS1 (transcriptional repressor GATA binding 1; minus strand). Cytogenetic location: 8q23.3.
Variant type: Microsatellite.
Coding change: c.2300_2301del on transcript NM_014112.5 (MANE Select); coding-DNA positions 2300 to 2301, 2 bases deleted (CT; older notation c.2300_2301delCT).
Protein change: p.Asp766_Ser767insTer.
Molecular consequence: nonsense.
Genome position (GRCh38, 1-based): chr8:115,587,400-115,587,401, AG deleted on the plus strand (CT on the coding strand, the reverse complement: TRPS1 is on the minus strand); deleting any 2 consecutive bases within chr8:115,587,400-115,587,403 gives the same sequence; the c. name uses the placement nearest the transcript's 3' end. VCF-style (leftmost placement, unchanged base first): chr8-115587399-TAG-T. GRCh37 (hg19) VCF-style: chr8-116599626-TAG-T.
Other names: c.2273_2274del, p.Asp757_Ser758insTer (NM_001282902.3); c.2279_2280del, p.Asp759_Ser760insTer (NM_001282903.3); c.2261_2262del, p.Asp753_Ser754insTer (NM_001330599.2).
Identifiers: ClinVar variation 1076208 (VCV001076208.7), dbSNP rs2130445285, ClinGen allele CA2580617221.